The following is an entry in ClinVar:

NM_001164508.2(NEB):c.6644_6646delinsGACAG (p.Lys2215fs)

Gene: NEB (nebulin; minus strand). Cytogenetic location: 2q23.3.
Variant type: Indel.
Coding change: c.6644_6646delinsGACAG on transcript NM_001164508.2 (MANE Select); coding-DNA positions 6644 to 6646, AGC replaced by GACAG.
Protein change: p.Lys2215fs; shifts the reading frame from lysine 2215.
Molecular consequence: frameshift variant.
Genome position (GRCh38, 1-based): chr2:151,655,873-151,655,875, GCT replaced by CTGTC on the plus strand (AGC replaced by GACAG on the coding strand, the reverse complement: NEB is on the minus strand). VCF-style: chr2-151655873-GCT-CTGTC. GRCh37 (hg19) VCF-style: chr2-152512387-GCT-CTGTC.
Other names: c.6644_6646delinsGACAG, p.Lys2215fs (NM_001164507.2, NM_001271208.2, NM_004543.5); short protein forms K2215fs.
Identifiers: ClinVar variation 1726376 (VCV001726376.2), dbSNP rs2552252619, ClinGen allele CA2580063976.
Genomic context (GRCh38, chr2:151,655,873, plus strand): 5'-GTACCTTGTTCATGGTATGTGCATTCTGCTTGGCAAGCACCATGTCCATGGAATCAGTCA[GCT>CTGTC]TCTTAAACTGGAAGTTGCTCGGGTGCTGGCGGTATTTCTGATCACTGGCATATTCAGTTG-3'

ClinVar aggregate classification (germline): Likely pathogenic (1 of 4 stars; one submission).

Conditions:
Nemaline myopathy 2 (NEM2). Also called: Nemaline myopathy 2, autosomal recessive. Identifiers: MedGen C1850569, MONDO:0009725, OMIM 256030.

Submission:

Myriad Genetics, Inc.
Classification: Likely pathogenic for Nemaline myopathy 2. Last evaluated: 2021-12-16. Review status: criteria provided, single submitter. Criteria: Myriad Women's Health Autosomal Recessive and X-Linked Classification Criteria (2021). Collection method: clinical testing. Allele origin: unknown.
Comment: NM_001271208.1(NEB):c.6644_6646del3ins5(K2215Rfs*3) is expected to be pathogenic in the context of NEB-related nemaline myopathy. This variant is predicted to lead to an abnormal or absent protein product due to the creation of a premature termination codon in NEB, a gene where loss-of-function variants are known to be pathogenic. Please note: this variant was assessed in the context of healthy population screening.